The following is an entry in ClinVar:

ClinVar aggregate classification (germline): Uncertain significance (1 of 4 stars; one submission).

Submission:

GeneDx
Classification: Uncertain significance. Last evaluated: 2025-10-09. Review status: criteria provided, single submitter. Criteria: GeneDx Variant Classification Process June 2021. Collection method: clinical testing. Allele origin: germline.
Comment: Not observed at significant frequency in large population cohorts (gnomAD); In silico analysis supports that this missense variant has a deleterious effect on protein structure/function; Has not been previously published as pathogenic or benign to our knowledge

NM_022893.4(BCL11A):c.1342C>T (p.Pro448Ser)

Gene: BCL11A (BCL11 transcription factor A; minus strand). Cytogenetic location: 2p16.1.
Variant type: single nucleotide variant.
Coding change: c.1342C>T on transcript NM_022893.4 (MANE Select); coding-DNA position 1342, C replaced by T.
Protein change: p.Pro448Ser; replaces proline 448 with serine.
Molecular consequence: missense variant. On other transcripts: intron variant (6).
Genome position (GRCh38, 1-based): chr2:60,461,570, G>A on the plus strand (C>T on the coding strand, the complement: BCL11A is on the minus strand). VCF-style: chr2-60461570-G-A. GRCh37 (hg19) VCF-style: chr2-60688705-G-A.
Other names: c.1240C>T, p.Pro414Ser (NM_001405712.1, NM_001405719.1, NM_001363864.1 and 2 more transcripts); c.1186C>T, p.Pro396Ser (NM_001405713.1, NM_001405714.1, NM_001405715.1 and 3 more transcripts); c.1084C>T, p.Pro362Ser (NM_001405717.1, NM_001405718.1, NM_001405724.1); c.1009C>T, p.Pro337Ser (NM_001405720.1, NM_001405721.1); c.1342C>T, p.Pro448Ser (NM_001405708.1, NM_001405709.1, NM_001405710.1 and 1 more transcripts); c.886C>T, p.Pro296Ser (NM_001405725.1, NM_001405726.1, NM_001405727.1 and 1 more transcripts); c.649C>T, p.Pro217Ser (NM_001405729.1); c.805C>T, p.Pro269Ser (NM_001405730.1); and 5 more; short protein forms P217S, P396S, P296S, P337S, P117S, P269S, P362S, P414S.
Identifiers: ClinVar variation 1810468 (VCV001810468.2), dbSNP rs2466237999, ClinGen allele CA347038223.